The following is an entry in ClinVar:

ClinVar aggregate classification (germline): Uncertain significance (1 of 4 stars; one submission).

Conditions:
Adams-Oliver syndrome 5 (AOS5). Identifiers: Orphanet 974, MedGen C4014970, MONDO:0014459, OMIM 616028.

Submission:

Labcorp Genetics (formerly Invitae), Labcorp
Classification: Uncertain significance for Adams-Oliver syndrome 5. Last evaluated: 2025-06-02. Review status: criteria provided, single submitter. Criteria: Invitae Variant Classification Sherloc (09022015). Collection method: clinical testing. Allele origin: germline.
Comment: This sequence change replaces alanine, which is neutral and non-polar, with threonine, which is neutral and polar, at codon 2035 of the NOTCH1 protein (p.Ala2035Thr). This variant is not present in population databases (gnomAD no frequency). This variant has not been reported in the literature in individuals affected with NOTCH1-related conditions. Invitae Evidence Modeling of protein sequence and biophysical properties (such as structural, functional, and spatial information, amino acid conservation, physicochemical variation, residue mobility, and thermodynamic stability) indicates that this missense variant is not expected to disrupt NOTCH1 protein function with a negative predictive value of 80%. In summary, the available evidence is currently insufficient to determine the role of this variant in disease. Therefore, it has been classified as a Variant of Uncertain Significance.

NM_017617.5(NOTCH1):c.6103G>A (p.Ala2035Thr)

Genes: NOTCH1 (notch receptor 1; minus strand), LOC126860794 (BRD4-independent group 4 enhancer GRCh37_chr9:139392592-139393791; plus strand). Cytogenetic location: 9q34.3.
Variant type: single nucleotide variant.
Coding change: c.6103G>A on transcript NM_017617.5 (MANE Select); coding-DNA position 6103, G replaced by A.
Protein change: p.Ala2035Thr; replaces alanine 2035 with threonine.
Molecular consequence: missense variant.
Genome position (GRCh38, 1-based): chr9:136,498,976, C>T on the plus strand (G>A on the coding strand, the complement: NOTCH1 is on the minus strand). VCF-style: chr9-136498976-C-T. GRCh37 (hg19) VCF-style: chr9-139393428-C-T.
Other names: short protein forms A2035T.
Identifiers: ClinVar variation 4752370 (VCV004752370.1).